The following is an entry in ClinVar:

ClinVar aggregate classification (germline): Likely pathogenic (1 of 4 stars; one submission).

Conditions:
Focal segmental glomerulosclerosis 7 (FSGS7). Identifiers: Orphanet 656, MedGen C4014925, MONDO:0014451, OMIM 616002.

Submission:

Neuberg Centre For Genomic Medicine, NCGM
Classification: Likely pathogenic for Focal segmental glomerulosclerosis 7. Last evaluated: 2023-05-20. Review status: criteria provided, single submitter. Criteria: ACMG Guidelines, 2015. Collection method: clinical testing. Allele origin: germline. Inheritance: Autosomal dominant inheritance. Affected: yes.
Comment: The observed invariant splice donor c.43+1G>T variant in PAX2 gene has not been reported previously as a pathogenic variant nor as a benign variant, to our knowledge. The c.43+1G>T variant is absent in gnomAD Exomes. This variant has not been submitted to the ClinVar database. Loss of function variants in PAX2 gene have been previously reported to be disease causing (Yang et al., 2021). However, additional functional studies will be required to prove the pathogenicity of this variant. For these reasons, this variant has been classified as Likely Pathogenic.

NM_000278.5(PAX2):c.43+1G>T

Gene: PAX2 (paired box 2; plus strand). Cytogenetic location: 10q24.31.
Variant type: single nucleotide variant.
Coding change: c.43+1G>T on transcript NM_000278.5 (MANE Select); the canonical splice donor site of the intron after coding-DNA position 43, G replaced by T.
Molecular consequence: splice donor variant.
Genome position (GRCh38, 1-based): chr10:100,746,304, G>T. VCF-style: chr10-100746304-G-T. GRCh37 (hg19) VCF-style: chr10-102506061-G-T.
Other names: c.136+1G>T (NM_001304569.2, NM_001374303.1); c.43+1G>T (NM_003987.5, NM_003990.5, NM_003988.5 and 1 more transcripts).
Identifiers: ClinVar variation 3367034 (VCV003367034.1).